The following is an entry in ClinVar:

ClinVar aggregate classification (germline): Uncertain significance. Review status: criteria provided, multiple submitters, no conflicts (2 of 4 stars). 2 submissions from 2 submitters: Uncertain significance (2). Last evaluated 2025-09-22.

Conditions:
Inborn genetic diseases. Identifiers: MedGen C0950123, MeSH D030342.
Zellweger spectrum disorders (ZS). Also called: Zellweger Spectrum Disorder (ZSD); Zellweger syndrome; Zellweger Spectrum Disorder; Zellweger Spectrum. Identifiers: Orphanet 912, MedGen C0043459, MONDO:0019609.

Allele frequency attached by ClinVar (database versions not stated): gnomAD exomes below 0.00001; TOPMed 0.00001.
gnomAD v4.1: 7 of 1,610,664 alleles (0.00043%); highest among the groups gnomAD compares: Middle Eastern, 0.033%; no homozygotes.

Submissions (2):

Ambry Genetics
Classification: Uncertain significance for Inborn genetic diseases. Last evaluated: 2025-09-22. Review status: criteria provided, single submitter. Criteria: Ambry Variant Classification Scheme 2023. Collection method: clinical testing. Allele origin: germline.

Labcorp Genetics (formerly Invitae), Labcorp
Classification: Uncertain significance for Zellweger spectrum disorders. Last evaluated: 2021-08-31. Review status: criteria provided, single submitter. Criteria: Invitae Variant Classification Sherloc (09022015). Collection method: clinical testing. Allele origin: germline.
Comment: This sequence change replaces glycine with glutamic acid at codon 634 of the PEX1 protein (p.Gly634Glu). The glycine residue is highly conserved and there is a moderate physicochemical difference between glycine and glutamic acid. This variant is not present in population databases (ExAC no frequency). This variant has not been reported in the literature in individuals affected with PEX1-related conditions. Algorithms developed to predict the effect of missense changes on protein structure and function are either unavailable or do not agree on the potential impact of this missense change (SIFT: "Tolerated"; PolyPhen-2: "Possibly Damaging"; Align-GVGD: "Class C0"). Algorithms developed to predict the effect of sequence changes on RNA splicing suggest that this variant may disrupt the consensus splice site. In summary, the available evidence is currently insufficient to determine the role of this variant in disease. Therefore, it has been classified as a Variant of Uncertain Significance.

NM_000466.3(PEX1):c.1901G>A (p.Gly634Glu)

Gene: PEX1 (peroxisomal biogenesis factor 1; minus strand). Cytogenetic location: 7q21.2.
Variant type: single nucleotide variant.
Coding change: c.1901G>A on transcript NM_000466.3 (MANE Select); coding-DNA position 1901, G replaced by A.
Protein change: p.Gly634Glu; replaces glycine 634 with glutamic acid.
Molecular consequence: missense variant. On other transcripts: intron variant (1).
Genome position (GRCh38, 1-based): chr7:92,504,902, C>T on the plus strand (G>A on the coding strand, the complement: PEX1 is on the minus strand). VCF-style: chr7-92504902-C-T. GRCh37 (hg19) VCF-style: chr7-92134216-C-T.
Other names: c.1901G>A (NM_000466.2); c.1277G>A, p.Gly426Glu (NM_001282678.2); c.1900+1346G>A (NM_001282677.2); short protein forms G426E, G634E.
Identifiers: ClinVar variation 2165378 (VCV002165378.2), dbSNP rs1792110916, ClinGen allele CA368184285.
Genomic context (GRCh38, chr7:92,504,902, plus strand): 5'-ATCCACACTGCCTCTGAGAAAGCCACCTCTAGGGTTTTTTGTATGTTTTCAAGCCTTTTT[C>T]CTTAATACAGAAGATATGAAATGGTTTCAGTATCATTTCAGTGCTGGGAAAATTCAGGTT-3'
Protein context (NP_000457.1, residues 624-644): VERVDCKALR[Gly634Glu]KRLENIQKTL